The following is an entry in ClinVar:

NM_018406.7(MUC4):c.12446T>G (p.Ile4149Ser)

Genes: MUC4 (mucin 4, cell surface associated), LOC126806930 (BRD4-independent group 4 enhancer GRCh37_chr3:195505212-195506411). Cytogenetic location: 3q29.
Variant type: single nucleotide variant.
Coding change: c.12446T>G on transcript NM_018406.7 (MANE Select); coding-DNA position 12446, T replaced by G.
Protein change: p.Ile4149Ser; replaces isoleucine 4149 with serine.
Molecular consequence: missense variant. On other transcripts: genic upstream transcript variant (2).
Genome position (GRCh38, 1-based): chr3:195,779,134, A>C on the plus strand (T>G on the coding strand, the complement: MUC4 is on the minus strand). VCF-style: chr3-195779134-A-C. GRCh37 (hg19) VCF-style: chr3-195506005-A-C.
Other names: NC_000003.11:g.195506005A>C; c.17888T>G, p.Ile5963Ser (NM_001322468.1); c.83-4829T>G (NM_138297.5); c.83-679T>G (NM_004532.6); short protein forms I4149S, I5963S.
Identifiers: ClinVar variation 2654382 (VCV002654382.25), dbSNP rs202017381, ClinGen allele CA2768799.

ClinVar aggregate classification (germline): Likely benign (1 of 4 stars; one submission).

Allele frequency attached by ClinVar (database versions not stated): 1000 Genomes Project 0.00300; ExAC 0.00364.

Submissions (10):

CeGaT Center for Human Genetics Tuebingen
Classification: Likely benign. Last evaluated: 2023-08-01. Review status: criteria provided, single submitter. Criteria: CeGaT Center For Human Genetics Tuebingen Variant Classification Criteria Version 2. Collection method: clinical testing. Allele origin: germline. Affected: yes. Observed: 1 variant allele.
Comment: MUC4: BS2

Dr. Peter K. Rogan Lab, Western University
No classification provided (evidence only). Condition: Malignant tumor of urinary bladder. Review status: no classification provided. Collection method: in vitro. Allele origin: not applicable. Functional consequence: retained intron. Not counted in ClinVar's aggregate classification.

Dr. Peter K. Rogan Lab, Western University
No classification provided (evidence only). Condition: Clear cell carcinoma of kidney. Review status: no classification provided. Collection method: in vitro. Allele origin: not applicable. Functional consequence: retained intron. Not counted in ClinVar's aggregate classification.

Dr. Peter K. Rogan Lab, Western University
No classification provided (evidence only). Condition: Clear cell carcinoma of kidney. Review status: no classification provided. Collection method: in vitro. Allele origin: not applicable. Functional consequence: retained intron. Not counted in ClinVar's aggregate classification.

Dr. Peter K. Rogan Lab, Western University
No classification provided (evidence only). Condition: Clear cell carcinoma of kidney. Review status: no classification provided. Collection method: in vitro. Allele origin: not applicable. Functional consequence: retained intron. Not counted in ClinVar's aggregate classification.

Dr. Peter K. Rogan Lab, Western University
No classification provided (evidence only). Condition: Colon adenocarcinoma. Review status: no classification provided. Collection method: in vitro. Allele origin: not applicable. Functional consequence: retained intron. Not counted in ClinVar's aggregate classification.

Dr. Peter K. Rogan Lab, Western University
No classification provided (evidence only). Condition: Colon adenocarcinoma. Review status: no classification provided. Collection method: in vitro. Allele origin: not applicable. Functional consequence: retained intron. Not counted in ClinVar's aggregate classification.

Dr. Peter K. Rogan Lab, Western University
No classification provided (evidence only). Condition: Thymoma. Review status: no classification provided. Collection method: in vitro. Allele origin: not applicable. Functional consequence: retained intron. Not counted in ClinVar's aggregate classification.

Dr. Peter K. Rogan Lab, Western University
No classification provided (evidence only). Condition: Cholangiocarcinoma. Review status: no classification provided. Collection method: in vitro. Allele origin: not applicable. Functional consequence: retained intron. Not counted in ClinVar's aggregate classification.

Dr. Peter K. Rogan Lab, Western University
No classification provided (evidence only). Condition: Gastric cancer. Review status: no classification provided. Collection method: in vitro. Allele origin: not applicable. Functional consequence: skipped exon. Not counted in ClinVar's aggregate classification.